The following is an entry in ClinVar:

NM_001164508.2(NEB):c.6241C>T (p.Leu2081Phe)

Gene: NEB (nebulin; minus strand). Cytogenetic location: 2q23.3.
Variant type: single nucleotide variant.
Coding change: c.6241C>T on transcript NM_001164508.2 (MANE Select); coding-DNA position 6241, C replaced by T.
Protein change: p.Leu2081Phe; replaces leucine 2081 with phenylalanine.
Molecular consequence: missense variant.
Genome position (GRCh38, 1-based): chr2:151,656,407, G>A on the plus strand (C>T on the coding strand, the complement: NEB is on the minus strand). VCF-style: chr2-151656407-G-A. GRCh37 (hg19) VCF-style: chr2-152512921-G-A.
Other names: c.6241C>T, p.Leu2081Phe (NM_001164507.2, NM_001271208.2, NM_004543.5); short protein forms L2081F.
Identifiers: ClinVar variation 2117276 (VCV002117276.1), dbSNP rs2099085796, ClinGen allele CA348800283.

ClinVar aggregate classification (germline): Uncertain significance (1 of 4 stars; one submission).

Conditions:
Nemaline myopathy 2 (NEM2). Also called: Nemaline myopathy 2, autosomal recessive. Identifiers: MedGen C1850569, MONDO:0009725, OMIM 256030.

Allele frequency attached by ClinVar (database versions not stated): gnomAD exomes below 0.00001; TOPMed below 0.00001.
gnomAD v4.1: 7 of 1,613,478 alleles (0.00043%); highest among the groups gnomAD compares: Non-Finnish European, 0.00042%; no homozygotes.

Submission:

Labcorp Genetics (formerly Invitae), Labcorp
Classification: Uncertain significance for Nemaline myopathy 2. Last evaluated: 2021-11-19. Review status: criteria provided, single submitter. Criteria: Invitae Variant Classification Sherloc (09022015). Collection method: clinical testing. Allele origin: germline.
Comment: This sequence change replaces leucine, which is neutral and non-polar, with phenylalanine, which is neutral and non-polar, at codon 2081 of the NEB protein (p.Leu2081Phe). This variant is not present in population databases (gnomAD no frequency). This variant has not been reported in the literature in individuals affected with NEB-related conditions. Algorithms developed to predict the effect of missense changes on protein structure and function are either unavailable or do not agree on the potential impact of this missense change (SIFT: "Deleterious"; PolyPhen-2: "Not Available"; Align-GVGD: "Class C0"). In summary, the available evidence is currently insufficient to determine the role of this variant in disease. Therefore, it has been classified as a Variant of Uncertain Significance.